The following is an entry in ClinVar:

NM_201384.3(PLEC):c.2707G>A (p.Val903Met)

Gene: PLEC (plectin; minus strand). Cytogenetic location: 8q24.3.
Variant type: single nucleotide variant.
Coding change: c.2707G>A on transcript NM_201384.3 (MANE Select); coding-DNA position 2707, G replaced by A.
Protein change: p.Val903Met; replaces valine 903 with methionine.
Molecular consequence: missense variant.
Genome position (GRCh38, 1-based): chr8:143,929,968, C>T on the plus strand (G>A on the coding strand, the complement: PLEC is on the minus strand). VCF-style: chr8-143929968-C-T. GRCh37 (hg19) VCF-style: chr8-145004136-C-T.
Other names: c.2788G>A (NM_000445.3); c.2788G>A, p.Val930Met (NM_000445.5, NM_001410941.1); c.2665G>A, p.Val889Met (NM_201378.4); c.2641G>A, p.Val881Met (NM_201379.3); c.3118G>A, p.Val1040Met (NM_201380.4); c.2611G>A, p.Val871Met (NM_201381.3); c.2707G>A, p.Val903Met (NM_201382.4); c.2719G>A, p.Val907Met (NM_201383.3); short protein forms V871M, V903M, V1040M, V889M, V907M, V930M, V881M.
Identifiers: ClinVar variation 2053209 (VCV002053209.5), dbSNP rs372373405, ClinGen allele CA187619226.

ClinVar aggregate classification (germline): Uncertain significance. Review status: criteria provided, multiple submitters, no conflicts (2 of 4 stars). 2 submissions from 2 submitters: Uncertain significance (2). Last evaluated 2025-08-12.

Conditions:
Epidermolysis bullosa simplex 5B, with muscular dystrophy (EBS5B). Also called: EPIDERMOLYSIS BULLOSA SIMPLEX AND LIMB-GIRDLE MUSCULAR DYSTROPHY; Epidermolysis bullosa simplex with muscular dystrophy. Identifiers: Orphanet 257, MedGen C2931072, MONDO:0009181, OMIM 226670.
Epidermolysis bullosa simplex, Ogna type (EBS5A). Also called: Pidermolysis bullosa simplex 5A, Ogna type; EPIDERMOLYSIS BULLOSA SIMPLEX 5A, OGNA TYPE. Identifiers: Orphanet 79401, MedGen C0432317, MONDO:0007555, OMIM 131950.
Epidermolysis bullosa simplex 5C, with pyloric atresia (EBS5C). Also called: PLEC-Related Epidermolysis Bullosa with Pyloric Atresia; Epidermolysis bullosa simplex with pyloric atresia; PLEC1-Related Epidermolysis Bullosa with Pyloric Atresia. Identifiers: Orphanet 158684, MedGen C2677349, MONDO:0012807, OMIM 612138.
Autosomal recessive limb-girdle muscular dystrophy type 2Q (LGMDR17). Also called: MUSCULAR DYSTROPHY, LIMB-GIRDLE, AUTOSOMAL RECESSIVE 17. Identifiers: Orphanet 254361, MedGen C3150989, MONDO:0013390, OMIM 613723.
Epidermolysis bullosa simplex with nail dystrophy (EBS5D). Identifiers: MedGen C4225309, MONDO:0014661, OMIM 616487.
Inborn genetic diseases. Identifiers: MedGen C0950123, MeSH D030342.

Allele frequency attached by ClinVar (database versions not stated): TOPMed 0.00001; gnomAD 0.00002; ESP Exome Variant Server 0.00008.
gnomAD v4.1: 7 of 1,611,192 alleles (0.00043%); highest among the groups gnomAD compares: African/African-American, 0.0027%; no homozygotes.

Submissions (2):

Ambry Genetics
Classification: Uncertain significance for Inborn genetic diseases. Last evaluated: 2025-08-12. Review status: criteria provided, single submitter. Criteria: Ambry Variant Classification Scheme 2023. Collection method: clinical testing. Allele origin: germline.

Labcorp Genetics (formerly Invitae), Labcorp
Classification: Uncertain significance for Autosomal recessive limb-girdle muscular dystrophy type 2Q; Epidermolysis bullosa simplex, Ogna type; Epidermolysis bullosa simplex with nail dystrophy; Epidermolysis bullosa simplex 5C, with pyloric atresia; Epidermolysis bullosa simplex 5B, with muscular dystrophy. Last evaluated: 2022-04-16. Review status: criteria provided, single submitter. Criteria: Invitae Variant Classification Sherloc (09022015). Collection method: clinical testing. Allele origin: germline.
Comment: In summary, the available evidence is currently insufficient to determine the role of this variant in disease. Therefore, it has been classified as a Variant of Uncertain Significance. Algorithms developed to predict the effect of missense changes on protein structure and function output the following: SIFT: "Deleterious"; PolyPhen-2: "Not Available"; Align-GVGD: "Class C0". The methionine amino acid residue is found in multiple mammalian species, which suggests that this missense change does not adversely affect protein function. This variant has not been reported in the literature in individuals affected with PLEC-related conditions. This variant is present in population databases (rs372373405, gnomAD 0.02%). This sequence change replaces valine, which is neutral and non-polar, with methionine, which is neutral and non-polar, at codon 930 of the PLEC protein (p.Val930Met).